The following is an entry in ClinVar:

ClinVar aggregate classification (germline): Uncertain significance (1 of 4 stars; one submission).

Conditions:
Duchenne muscular dystrophy (DMD). Also called: Duchenne Muscular Dystrophy (DMD); MUSCULAR DYSTROPHY, PSEUDOHYPERTROPHIC PROGRESSIVE, DUCHENNE TYPE. Identifiers: Orphanet 98896, MedGen C0013264, MONDO:0010679, OMIM 310200.

Submission:

Labcorp Genetics (formerly Invitae), Labcorp
Classification: Uncertain significance for Duchenne muscular dystrophy. Last evaluated: 2025-06-27. Review status: criteria provided, single submitter. Criteria: Invitae Variant Classification Sherloc (09022015). Collection method: clinical testing. Allele origin: germline.
Comment: This sequence change replaces leucine, which is neutral and non-polar, with phenylalanine, which is neutral and non-polar, at codon 1379 of the DMD protein (p.Leu1379Phe). This variant is not present in population databases (gnomAD no frequency). This variant has not been reported in the literature in individuals affected with DMD-related conditions. Invitae Evidence Modeling of protein sequence and biophysical properties (such as structural, functional, and spatial information, amino acid conservation, physicochemical variation, residue mobility, and thermodynamic stability) indicates that this missense variant is not expected to disrupt DMD protein function with a negative predictive value of 95%. In summary, the available evidence is currently insufficient to determine the role of this variant in disease. Therefore, it has been classified as a Variant of Uncertain Significance.

NM_004006.3(DMD):c.4137A>C (p.Leu1379Phe)

Gene: DMD (dystrophin; minus strand). Cytogenetic location: Xp21.1.
Variant type: single nucleotide variant.
Coding change: c.4137A>C on transcript NM_004006.3 (MANE Select); coding-DNA position 4137, A replaced by C.
Protein change: p.Leu1379Phe; replaces leucine 1379 with phenylalanine.
Molecular consequence: missense variant.
Genome position (GRCh38, 1-based): chrX:32,411,848, T>G on the plus strand (A>C on the coding strand, the complement: DMD is on the minus strand). VCF-style: chrX-32411848-T-G. GRCh37 (hg19) VCF-style: chrX-32429965-T-G.
Other names: c.4113A>C, p.Leu1371Phe (NM_000109.4); c.4125A>C, p.Leu1375Phe (NM_004009.3); c.3768A>C, p.Leu1256Phe (NM_004010.3); c.114A>C, p.Leu38Phe (NM_004011.4); c.105A>C, p.Leu35Phe (NM_004012.4); short protein forms L1256F, L1371F, L1375F, L1379F, L35F, L38F.
Identifiers: ClinVar variation 4800969 (VCV004800969.1).